The following is an entry in ClinVar:

NM_001303052.2(MYT1L):c.1675G>A (p.Gly559Arg)

Gene: MYT1L (myelin transcription factor 1 like; minus strand). Cytogenetic location: 2p25.3.
Variant type: single nucleotide variant.
Coding change: c.1675G>A on transcript NM_001303052.2 (MANE Select); coding-DNA position 1675, G replaced by A.
Protein change: p.Gly559Arg; replaces glycine 559 with arginine.
Molecular consequence: missense variant.
Genome position (GRCh38, 1-based): chr2:1,912,054, C>T on the plus strand (G>A on the coding strand, the complement: MYT1L is on the minus strand). VCF-style: chr2-1912054-C-T. GRCh37 (hg19) VCF-style: chr2-1915826-C-T.
Other names: c.1675G>A, p.Gly559Arg (NM_001329844.2, NM_001329845.1, NM_001329851.3); c.1669G>A, p.Gly557Arg (NM_001329846.3, NM_001329847.2, NM_001329848.1 and 3 more transcripts); short protein forms G557R, G559R.
Identifiers: ClinVar variation 4852534 (VCV004852534.1).

ClinVar aggregate classification (germline): Likely pathogenic (1 of 4 stars; one submission).

Conditions:
Intellectual developmental disorder, autosomal dominant 39. Also called: Mental retardation, autosomal dominant 39; Intellectual disability, autosomal dominant 39. Identifiers: MedGen C4225296, MONDO:0014678, OMIM 616521.

Submission:

Department of Human Genetics, Hannover Medical School
Classification: Likely pathogenic for Intellectual developmental disorder, autosomal dominant 39. Last evaluated: 2026-06-05. Review status: criteria provided, single submitter. Criteria: ACMG Guidelines, 2015. Collection method: clinical testing. Allele origin: germline. Affected: yes.
Comment: ACMG/ ClinGen SVC: PM1_Supporting, PM2_Supporting, PM5_Supporting, PP2, PP3_Moderate